The following is an entry in ClinVar:

ClinVar aggregate classification (germline): Uncertain significance (1 of 4 stars; one submission).

Allele frequency attached by ClinVar (database versions not stated): gnomAD exomes below 0.00001.
gnomAD v4.1: 1 of 1,572,142 alleles (0.000064%); highest among the groups gnomAD compares: Non-Finnish European, 0.000086%; no homozygotes.

Submission:

Labcorp Genetics (formerly Invitae), Labcorp
Classification: Uncertain significance. Last evaluated: 2022-07-19. Review status: criteria provided, single submitter. Criteria: Invitae Variant Classification Sherloc (09022015). Collection method: clinical testing. Allele origin: germline.
Comment: This sequence change affects codon 76 of the RELB mRNA. It is a 'silent' change, meaning that it does not change the encoded amino acid sequence of the RELB protein. This variant is not present in population databases (gnomAD no frequency). This variant has not been reported in the literature in individuals affected with RELB-related conditions. ClinVar contains an entry for this variant (Variation ID: 1416145). Algorithms developed to predict the effect of sequence changes on RNA splicing suggest that this variant may create or strengthen a splice site. In summary, the available evidence is currently insufficient to determine the role of this variant in disease. Therefore, it has been classified as a Variant of Uncertain Significance.

NM_006509.4(RELB):c.228C>T (p.Gly76=)

Gene: RELB (RELB proto-oncogene, NF-kB subunit; plus strand). Cytogenetic location: 19q13.32.
Variant type: single nucleotide variant.
Coding change: c.228C>T on transcript NM_006509.4 (MANE Select); coding-DNA position 228, C replaced by T.
Protein change: p.Gly76=; no amino-acid change (glycine 76 retained).
Molecular consequence: synonymous variant.
Genome position (GRCh38, 1-based): chr19:45,012,000, C>T. VCF-style: chr19-45012000-C-T. GRCh37 (hg19) VCF-style: chr19-45515258-C-T.
Identifiers: ClinVar variation 1416145 (VCV001416145.8), dbSNP rs1431365329, ClinGen allele CA507948143.